The following is an entry in ClinVar:

NM_000444.6(PHEX):c.1646-1G>C

Genes: PHEX (phosphate regulating endopeptidase X-linked; plus strand), PTCHD1-AS (PTCHD1 and PHEX antisense RNA; minus strand). Cytogenetic location: Xp22.11.
Variant type: single nucleotide variant.
Coding change: c.1646-1G>C on transcript NM_000444.6 (MANE Select); the canonical splice acceptor site of the intron before coding-DNA position 1646, G replaced by C.
Molecular consequence: splice acceptor variant.
Genome position (GRCh38, 1-based): chrX:22,212,903, G>C. VCF-style: chrX-22212903-G-C. GRCh37 (hg19) VCF-style: chrX-22231020-G-C.
Other names: c.1646-1G>C (NM_001282754.2).
Identifiers: ClinVar variation 1452311 (VCV001452311.6), dbSNP rs1324553227, ClinGen allele CA412575586.

ClinVar aggregate classification (germline): Pathogenic (1 of 4 stars; one submission).

Submission:

Labcorp Genetics (formerly Invitae), Labcorp
Classification: Pathogenic. Last evaluated: 2022-01-20. Review status: criteria provided, single submitter. Criteria: Invitae Variant Classification Sherloc (09022015). Collection method: clinical testing. Allele origin: germline.
Comment: This sequence change affects an acceptor splice site in intron 15 of the PHEX gene. It is expected to disrupt RNA splicing. Variants that disrupt the donor or acceptor splice site typically lead to a loss of protein function (PMID: 16199547), and loss-of-function variants in PHEX are known to be pathogenic (PMID: 9097956, 9106524, 19219621). This variant is not present in population databases (gnomAD no frequency). Disruption of this splice site has been observed in individual(s) with hypophosphatemia (PMID: 24836714, 26543054). It has also been observed to segregate with disease in related individuals. Algorithms developed to predict the effect of sequence changes on RNA splicing suggest that this variant may disrupt the consensus splice site. For these reasons, this variant has been classified as Pathogenic.

Literature cited by the submitters: PubMed 16199547; PubMed 9097956; PubMed 9106524; PubMed 19219621; PubMed 24836714; PubMed 26543054.